The following is an entry in ClinVar:

NC_000015.10:g.84817045G>A

Gene: ALPK3 (alpha kinase 3; plus strand). Cytogenetic location: 15q25.3.
Variant type: single nucleotide variant.
Genome position: GRCh38 VCF-style: chr15-84817045-G-A. GRCh37 (hg19) VCF-style: chr15-85360276-G-A.
Other names: short protein forms G67R.
Identifiers: ClinVar variation 1784137 (VCV001784137.6), dbSNP rs767754656, ClinGen allele CA7708815.

ClinVar aggregate classification (germline): Uncertain significance. Review status: criteria provided, multiple submitters, no conflicts (2 of 4 stars). 2 submissions from 2 submitters: Uncertain significance (2). Last evaluated 2024-08-11.

Conditions:
Cardiovascular phenotype. Identifiers: MedGen CN230736.

Allele frequency attached by ClinVar (database versions not stated): gnomAD 0.00001; ExAC 0.00002; TOPMed 0.00002.

Submissions (2):

Ambry Genetics
Classification: Uncertain significance for Cardiovascular phenotype. Last evaluated: 2024-08-11. Review status: criteria provided, single submitter. Criteria: Ambry Variant Classification Scheme 2023. Collection method: clinical testing. Allele origin: germline.
Comment: The p.G67R variant (also known as c.199G>A), located in coding exon 1 of the ALPK3 gene, results from a G to A substitution at nucleotide position 199. The glycine at codon 67 is replaced by arginine, an amino acid with dissimilar properties. This amino acid position is not well conserved in available vertebrate species. In addition, this alteration is predicted to be tolerated by in silico analysis. Since supporting evidence is limited at this time, the clinical significance of this alteration remains unclear.

Labcorp Genetics (formerly Invitae), Labcorp
Classification: Uncertain significance. Last evaluated: 2024-02-15. Review status: criteria provided, single submitter. Criteria: Invitae Variant Classification Sherloc (09022015). Collection method: clinical testing. Allele origin: germline.
Comment: This sequence change replaces glycine, which is neutral and non-polar, with arginine, which is basic and polar, at codon 67 of the ALPK3 protein (p.Gly67Arg). The frequency data for this variant in the population databases is considered unreliable, as metrics indicate poor data quality at this position in the gnomAD database. This variant has not been reported in the literature in individuals affected with ALPK3-related conditions. ClinVar contains an entry for this variant (Variation ID: 1784137). Algorithms developed to predict the effect of missense changes on protein structure and function output the following: SIFT: "Not Available"; PolyPhen-2: "Probably Damaging"; Align-GVGD: "Not Available". The arginine amino acid residue is found in multiple mammalian species, which suggests that this missense change does not adversely affect protein function. In summary, the available evidence is currently insufficient to determine the role of this variant in disease. Therefore, it has been classified as a Variant of Uncertain Significance.